The following is an entry in ClinVar:

ClinVar aggregate classification (germline): Benign/Likely benign. Review status: criteria provided, multiple submitters, no conflicts (2 of 4 stars). 15 submissions from 15 submitters: Benign (11); Likely benign (2). 2 of the submissions do not count toward it. Last evaluated 2026-09-01.

Conditions:
Familial thoracic aortic aneurysm and aortic dissection (TAAD). Also called: Thoracic aortic aneurysms and dissections. Identifiers: Orphanet 91387, MedGen C4707243, MONDO:0019625.
Shprintzen-Goldberg syndrome (SGS). Also called: CRANIOSYNOSTOSIS WITH ARACHNODACTYLY AND ABDOMINAL HERNIAS; SHPRINTZEN-GOLDBERG CRANIOSYNOSTOSIS SYNDROME; Marfanoid disorder with craniosynostosis type 1; Marfanoid craniosynostosis syndrome; Shprintzen-Goldberg marfanoid syndrome. Identifiers: Orphanet 2462, MedGen C1321551, MONDO:0008426, OMIM 182212.

Allele frequency attached by ClinVar (database versions not stated): 1000 Genomes Project 0.00260; 1000 Genomes Project 30x 0.00281; TOPMed 0.00504; gnomAD 0.00561 and 0.00570; gnomAD exomes 0.00568 and 0.00871; ExAC 0.00609; ESP Exome Variant Server 0.00715.
gnomAD v4.1: 13,526 of 1,612,576 alleles (0.84%); highest among the groups gnomAD compares: Non-Finnish European, 1%; 64 homozygotes.

Submissions (15):

CeGaT Center for Human Genetics Tuebingen
Classification: Benign. Last evaluated: 2026-09-01. Review status: criteria provided, single submitter. Criteria: CeGaT Center For Human Genetics Tuebingen Variant Classification Criteria Version 2. Collection method: clinical testing. Allele origin: germline. Affected: yes. Observed: 54 variant alleles.
Comment: SKI: BP4, BP7, BS1, BS2

Labcorp Genetics (formerly Invitae), Labcorp
Classification: Benign for Shprintzen-Goldberg syndrome. Last evaluated: 2026-02-04. Review status: criteria provided, single submitter. Criteria: Invitae Variant Classification Sherloc (09022015). Collection method: clinical testing. Allele origin: germline.

ARUP Laboratories, Molecular Genetics and Genomics, ARUP Laboratories
Classification: Benign for Shprintzen-Goldberg syndrome. Last evaluated: 2025-07-15. Review status: criteria provided, single submitter. Criteria: ARUP Molecular Germline Variant Investigation Process 2024. Collection method: clinical testing. Allele origin: germline.

Molecular Diagnostic Laboratory for Inherited Cardiovascular Disease, Montreal Heart Institute
Classification: Benign. Last evaluated: 2025-04-09. Review status: criteria provided, single submitter. Criteria: ACMG Guidelines, 2015. Collection method: clinical testing. Allele origin: germline. Affected: no.

Blueprint Genetics
Classification: Likely benign. Last evaluated: 2024-11-21. Review status: criteria provided, single submitter. Criteria: ACMG Guidelines, 2015. Collection method: clinical testing. Allele origin: germline.

Women's Health and Genetics/Laboratory Corporation of America, LabCorp
Classification: Benign. Last evaluated: 2023-07-21. Review status: criteria provided, single submitter. Criteria: LabCorp Variant Classification Summary - May 2015. Collection method: clinical testing. Allele origin: germline.

Fulgent Genetics
Classification: Likely benign for Shprintzen-Goldberg syndrome. Last evaluated: 2021-11-03. Review status: criteria provided, single submitter. Criteria: ACMG Guidelines, 2015. Collection method: clinical testing. Allele origin: unknown.

Ambry Genetics
Classification: Benign for Familial thoracic aortic aneurysm and aortic dissection. Last evaluated: 2016-12-15. Review status: criteria provided, single submitter. Criteria: Ambry Variant Classification Scheme 2023. Collection method: clinical testing. Allele origin: germline.

Eurofins Ntd Llc (ga)
Classification: Benign. Last evaluated: 2015-01-13. Review status: criteria provided, single submitter. Criteria: EGL Classification Definitions 2015. Collection method: clinical testing. Allele origin: germline. Observed: 1 variant allele, 1 heterozygote.

GeneDx
Classification: Benign. Last evaluated: 2014-05-29. Review status: criteria provided, single submitter. Criteria: GeneDx Variant Classification (06012015). Collection method: clinical testing. Allele origin: germline. Affected: yes.
Comment: This variant is considered likely benign or benign based on one or more of the following criteria: it is a conservative change, it occurs at a poorly conserved position in the protein, it is predicted to be benign by multiple in silico algorithms, and/or has population frequency not consistent with disease.

Mayo Clinic Laboratories, Mayo Clinic
Classification: Benign. Last evaluated: 2014-02-13. Review status: criteria provided, single submitter. Criteria: ACMG Guidelines, 2015. Collection method: clinical testing. Allele origin: germline. Observed: 16 variant alleles.

Breakthrough Genomics
Classification: Benign. Review status: criteria provided, single submitter. Criteria: ACMG Guidelines, 2015. Collection method: not provided. Allele origin: germline. Inheritance: Autosomal dominant inheritance. Affected: yes.

PreventionGenetics, part of Exact Sciences
Classification: Benign. Review status: criteria provided, single submitter. Criteria: ACMG Guidelines, 2015. Collection method: clinical testing. Allele origin: germline.

Genome Diagnostics Laboratory, Amsterdam University Medical Center
Classification: Benign. Review status: no assertion criteria provided. Collection method: clinical testing. Allele origin: germline. Affected: yes. Study: VKGL Data-share Consensus. Not counted in ClinVar's aggregate classification.

Joint Genome Diagnostic Labs from Nijmegen and Maastricht, Radboudumc and MUMC+
Classification: Benign. Review status: no assertion criteria provided. Collection method: clinical testing. Allele origin: germline. Affected: yes. Study: VKGL Data-share Consensus. Not counted in ClinVar's aggregate classification.

NM_003036.4(SKI):c.1446G>A (p.Ala482=)

Gene: SKI (SKI proto-oncogene; plus strand). Cytogenetic location: 1p36.32.
Variant type: single nucleotide variant.
Coding change: c.1446G>A on transcript NM_003036.4 (MANE Select); coding-DNA position 1446, G replaced by A.
Protein change: p.Ala482=; no amino-acid change (alanine 482 retained).
Molecular consequence: synonymous variant.
Genome position (GRCh38, 1-based): chr1:2,304,074, G>A. VCF-style: chr1-2304074-G-A. GRCh37 (hg19) VCF-style: chr1-2235513-G-A.
Other names: p.A482A:GCG>GCA; p.Ala482=.
Identifiers: ClinVar variation 139115 (VCV000139115.68), dbSNP rs114345135, ClinGen allele CA302979.
Genomic context (GRCh38, chr1:2,304,074, plus strand): 5'-AGGAGCCCCAGAGACGCTGGCGCCCGTGGCTGCCCCAGAGGAGGACAAGGACTCGGAGGC[G>A]GAGGTGGAAGTTGAAAGCAGGGAGGAATGTACGTGTGAGTCGCTTTCTGTGCCTCCTCCC-3'
Protein context (NP_003027.1, residues 472-492): AAPEEDKDSE[Ala482=]EVEVESREEF